The following is an entry in ClinVar:

NM_006060.6(IKZF1):c.1047G>C (p.Gln349His)

Gene: IKZF1 (IKAROS family zinc finger 1; plus strand). Cytogenetic location: 7p12.2.
Variant type: single nucleotide variant.
Coding change: c.1047G>C on transcript NM_006060.6 (MANE Select); coding-DNA position 1047, G replaced by C.
Protein change: p.Gln349His; replaces glutamine 349 with histidine.
Molecular consequence: missense variant.
Genome position (GRCh38, 1-based): chr7:50,400,114, G>C. VCF-style: chr7-50400114-G-C. GRCh37 (hg19) VCF-style: chr7-50467812-G-C.
Other names: c.921G>C, p.Gln307His (NM_001220765.3, NM_001291837.2); c.756G>C, p.Gln252His (NM_001220767.2); c.786G>C, p.Gln262His (NM_001220768.2, NM_001291838.2); c.630G>C, p.Gln210His (NM_001220770.2); c.618G>C, p.Gln206His (NM_001220771.2, NM_001291841.1); c.660G>C, p.Gln220His (NM_001291839.2); c.357G>C, p.Gln119His (NM_001291840.1); c.588G>C, p.Gln196His (NM_001291842.1); and 2 more; short protein forms Q119H, Q154H, Q164H, Q196H, Q206H, Q210H, Q220H, Q252H.
Identifiers: ClinVar variation 1320280 (VCV001320280.8), dbSNP rs937630364, ClinGen allele CA367524311.
Genomic context (GRCh38, chr7:50,400,114, plus strand): 5'-GCTGGTGCAGACGCCCCCGGGCGGTTCCGAGGTGGTCCCGGTCATCAGCCCGATGTACCA[G>C]CTGCACAAGCCGCTCGCGGAGGGCACCCCGCGCTCCAACCACTCGGCCCAGGACAGCGCC-3'
Protein context (NP_006051.1, residues 339-359): EVVPVISPMY[Gln349His]LHKPLAEGTP

ClinVar aggregate classification (germline): Uncertain significance. Review status: criteria provided, multiple submitters, no conflicts (2 of 4 stars). 4 submissions from 4 submitters: Uncertain significance (4). Last evaluated 2024-09-12.

Conditions:
Pancytopenia due to IKZF1 mutations. Also called: Immunodeficiency, common variable, 13. Identifiers: Orphanet 317473, MedGen C4225173, MONDO:0014810, OMIM 616873.
Acute lymphoid leukemia (ALL). Also called: Leukemia, acute lymphoblastic, somatic; Lymphoblastic leukemia; Acute lymphoblastic leukemia; Acute lymphocytic leukemia. Identifiers: Orphanet 513, MedGen C0023449, MONDO:0004967, OMIM 613065, HP:0006721.

Allele frequency attached by ClinVar (database versions not stated): TOPMed below 0.00001; gnomAD 0.00001.
gnomAD v4.1: 13 of 1,558,054 alleles (0.00083%); highest among the groups gnomAD compares: Middle Eastern, 0.1%; no homozygotes.

Submissions (4):

Blueprint Genetics
Classification: Uncertain significance. Last evaluated: 2024-09-12. Review status: criteria provided, single submitter. Criteria: ACMG Guidelines, 2015. Collection method: clinical testing. Allele origin: germline.

Revvity Omics, Revvity
Classification: Uncertain significance for Pancytopenia due to IKZF1 mutations. Last evaluated: 2022-02-21. Review status: criteria provided, single submitter. Criteria: ACMG Guidelines, 2015. Collection method: clinical testing. Allele origin: germline.

St. Jude Molecular Pathology, St. Jude Children's Research Hospital
Classification: Uncertain significance for Acute lymphoid leukemia. Last evaluated: 2021-08-19. Review status: criteria provided, single submitter. Criteria: St. Jude Assertion Criteria 2020. Collection method: clinical testing. Allele origin: germline.
Comment: The IKZF1 c.1047G>C (p.Gln349His) missense change is absent in gnomAD v2.1.1 (PM2_supporting). This variant occurs in a gene where missense variants are more likely to be damaging based on methods described by Lek et al. (PP2; PMID: 27535533). Six of six in silico tools predict a benign effect of this variant on protein function (BP4), but to our knowledge these predictions have not been confirmed by functional assays. To our knowledge, this variant has not been reported in individuals with acute lymphoblastic leukemia or immunodeficiency. In summary, this variant meets criteria to be classified as of uncertain significance based on the ACMG/AMP criteria: PM2_supporting, PP2, BP4.

Breakthrough Genomics
Classification: Uncertain significance. Review status: criteria provided, single submitter. Criteria: ACMG Guidelines, 2015. Collection method: not provided. Allele origin: germline. Inheritance: Autosomal dominant inheritance. Affected: yes.